The following is an entry in ClinVar:

ClinVar aggregate classification (germline): Benign. Review status: criteria provided, multiple submitters, no conflicts (2 of 4 stars). 8 submissions from 8 submitters: Benign (8). Last evaluated 2025-03-03.

Conditions:
Pheochromocytoma/paraganglioma syndrome 5. Also called: Paragangliomas 5; SDHA-Related Hereditary Paraganglioma-Pheochromocytoma Syndrome. Identifiers: Orphanet 29072, MedGen C3279992, MONDO:0013602, OMIM 614165.
Hereditary cancer-predisposing syndrome. Also called: Tumor predisposition; Hereditary neoplastic syndrome; Hereditary Cancer Syndrome; Neoplastic Syndromes, Hereditary. Identifiers: Orphanet 140162, MedGen C0027672, MeSH D009386, MONDO:0015356.

Allele frequency attached by ClinVar (database versions not stated): gnomAD exomes 0.15230; ExAC 0.15655; gnomAD 0.23959 and 0.25110; 1000 Genomes Project 0.24720; 1000 Genomes Project 30x 0.26062; TOPMed 0.26630; ESP Exome Variant Server 0.27087.
gnomAD v4.1: 235,145 of 1,610,802 alleles (15%); highest among the groups gnomAD compares: African/African-American, 53%; 23,963 homozygotes.

Submissions (8):

Myriad Genetics, Inc.
Classification: Benign for Pheochromocytoma/paraganglioma syndrome 5. Last evaluated: 2025-03-03. Review status: criteria provided, single submitter. Criteria: Myriad Autosomal Dominant, Autosomal Recessive and X-Linked Classification Criteria (2023). Collection method: clinical testing. Allele origin: unknown.
Comment: This variant is considered benign. This variant is intronic and is not expected to impact mRNA splicing. This variant has been observed at a population frequency that is significantly greater than expected given the associated disease prevalence and penetrance.

Hereditary Cancer Laboratory, Hospital Universitario 12 de Octubre
Classification: Benign for Hereditary cancer-predisposing syndrome. Last evaluated: 2025-01-08. Review status: criteria provided, single submitter. Criteria: ACMG Guidelines, 2015. Collection method: clinical testing. Allele origin: germline.
Comment: BA1+BP6

Blueprint Genetics
Classification: Benign. Last evaluated: 2024-11-26. Review status: criteria provided, single submitter. Criteria: ACMG Guidelines, 2015. Collection method: clinical testing. Allele origin: germline.

KCCC/NGS Laboratory, Kuwait Cancer Control Center
Classification: Benign for Pheochromocytoma/paraganglioma syndrome 5. Last evaluated: 2023-07-07. Review status: criteria provided, single submitter. Criteria: ACMG Guidelines, 2015. Collection method: clinical testing. Allele origin: germline. Affected: yes.

ARUP Laboratories, Molecular Genetics and Genomics, ARUP Laboratories
Classification: Benign. Last evaluated: 2020-01-03. Review status: criteria provided, single submitter. Criteria: ARUP Molecular Germline Variant Investigation Process. Collection method: clinical testing. Allele origin: germline.

GeneDx
Classification: Benign. Last evaluated: 2015-03-03. Review status: criteria provided, single submitter. Criteria: GeneDx Variant Classification Process June 2021. Collection method: clinical testing. Allele origin: germline. Affected: yes.

Breakthrough Genomics
Classification: Benign. Review status: criteria provided, single submitter. Criteria: ACMG Guidelines, 2015. Collection method: not provided. Allele origin: germline. Inheritance: Autosomal recessive inheritance. Affected: yes.

PreventionGenetics, part of Exact Sciences
Classification: Benign. Review status: criteria provided, single submitter. Criteria: ACMG Guidelines, 2015. Collection method: clinical testing. Allele origin: germline.

NM_004168.4(SDHA):c.896-20A>G

Gene: SDHA (succinate dehydrogenase complex flavoprotein subunit A; plus strand). Cytogenetic location: 5p15.33.
Variant type: single nucleotide variant.
Coding change: c.896-20A>G on transcript NM_004168.4 (MANE Select); 20 bases into the intron before coding-DNA position 896, A replaced by G.
Molecular consequence: intron variant.
Genome position (GRCh38, 1-based): chr5:233,457, A>G. VCF-style: chr5-233457-A-G. GRCh37 (hg19) VCF-style: chr5-233572-A-G.
Other names: c.896-20A>G (NM_004168.3, NM_001330758.2); c.752-20A>G (NM_001294332.2).
Identifiers: ClinVar variation 259249 (VCV000259249.16), dbSNP rs7710005, ClinGen allele CA3173032.